The following is an entry in ClinVar:

ClinVar aggregate classification (germline): Uncertain significance (1 of 4 stars; one submission).

Conditions:
Hyper-IgE recurrent infection syndrome 1, autosomal dominant. Also called: JOB SYNDROME; HYPER-IgE SYNDROME 1, AUTOSOMAL DOMINANT, WITH RECURRENT INFECTIONS; Job's Syndrome; STAT3 Hyper IgE Syndrome; Hyper-IgE recurrent infection syndrome 1. Identifiers: Orphanet 2314, MedGen C2936739, MONDO:0007818, OMIM 147060.
STAT3 gain of function. Identifiers: MedGen C4288261.

Submission:

Labcorp Genetics (formerly Invitae), Labcorp
Classification: Uncertain significance for STAT3 gain of function; Hyper-IgE recurrent infection syndrome 1, autosomal dominant. Last evaluated: 2021-12-23. Review status: criteria provided, single submitter. Criteria: Invitae Variant Classification Sherloc (09022015). Collection method: clinical testing. Allele origin: germline.
Comment: This sequence change creates a premature translational stop signal (p.Ile298Asnfs*17) in the STAT3 gene. It is expected to result in an absent or disrupted protein product. However, the current clinical and genetic evidence is not sufficient to establish whether loss-of-function variants in STAT3 cause disease. This variant is not present in population databases (gnomAD no frequency). This variant has not been reported in the literature in individuals affected with STAT3-related conditions. In summary, the available evidence is currently insufficient to determine the role of this variant in disease. Therefore, it has been classified as a Variant of Uncertain Significance.

NM_139276.3(STAT3):c.892dup (p.Ile298fs)

Gene: STAT3 (signal transducer and activator of transcription 3; minus strand). Cytogenetic location: 17q21.2.
Variant type: Duplication.
Coding change: c.892dup on transcript NM_139276.3 (MANE Select); coding-DNA position 892, one base duplicated (A; older notation c.892dupA).
Protein change: p.Ile298fs; shifts the reading frame from isoleucine 298.
Molecular consequence: frameshift variant.
Genome position (GRCh38, 1-based): chr17:42,333,955, T duplicated on the plus strand (A on the coding strand, the reverse complement: STAT3 is on the minus strand). VCF-style (leftmost placement, unchanged base first): chr17-42333954-A-AT. GRCh37 (hg19) VCF-style: chr17-40485972-A-AT.
Other names: c.892dup, p.Ile298fs (NM_001369512.1, NM_001369513.1, NM_001369514.1 and 15 more transcripts); c.814dup, p.Ile272fs (NM_001384985.1); c.796dup, p.Ile266fs (NM_001384989.1); short protein forms I266fs, I272fs, I298fs.
Identifiers: ClinVar variation 2055451 (VCV002055451.4), dbSNP rs2509394977, ClinGen allele CA2580093729.